The following is an entry in ClinVar:

NM_007294.4(BRCA1):c.1816C>G (p.Pro606Ala)

Gene: BRCA1 (BRCA1 DNA repair associated; minus strand). Cytogenetic location: 17q21.31.
Variant type: single nucleotide variant.
Coding change: c.1816C>G on transcript NM_007294.4 (MANE Select); coding-DNA position 1816, C replaced by G.
Protein change: p.Pro606Ala; replaces proline 606 with alanine.
Molecular consequence: missense variant. On other transcripts: intron variant (137).
Genome position (GRCh38, 1-based): chr17:43,093,715, G>C on the plus strand (C>G on the coding strand, the complement: BRCA1 is on the minus strand). VCF-style: chr17-43093715-G-C. GRCh37 (hg19) VCF-style: chr17-41245732-G-C.
Other names: c.283+1029C>G (NM_001408512.1); c.646+1029C>G (NM_001408469.1, NM_001408453.1, NM_001408461.1 and 11 more transcripts); c.406+1029C>G (NM_001408510.1); c.643+1029C>G (NM_001408470.1, NM_001408464.1, NM_001408468.1 and 3 more transcripts); c.784+1029C>G (NM_001408397.1, NM_001408401.1, NM_001408396.1 and 13 more transcripts); c.664+1029C>G (NM_001408436.1, NM_001408444.1, NM_001408438.1 and 12 more transcripts); c.787+1029C>G (NM_001407980.1, NM_001407976.1, NM_001407993.1 and 19 more transcripts); c.652+1029C>G (NM_001408451.1); and 40 more; short protein forms P536A, P565A, P478A, P479A, P494A, P495A, P558A, P603A.
Identifiers: ClinVar variation 3634683 (VCV003634683.2).

ClinVar aggregate classification (germline): Uncertain significance (1 of 4 stars; one submission).

Conditions:
Hereditary breast ovarian cancer syndrome. Also called: Hereditary breast and ovarian cancer syndrome; Hereditary breast and ovarian cancer syndrome (HBOC); BRCA1- and BRCA2-Associated Hereditary Breast and Ovarian Cancer; Hereditary breast and ovarian cancer; Breast and ovarian cancer; Hereditary breast and/or ovarian cancer syndrome. Identifiers: Orphanet 145, MedGen C0677776, MeSH D061325, MONDO:0003582. Disease mechanism: loss of function.

Submission:

Labcorp Genetics (formerly Invitae), Labcorp
Classification: Uncertain significance for Hereditary breast ovarian cancer syndrome. Last evaluated: 2024-09-04. Review status: criteria provided, single submitter. Criteria: Invitae Variant Classification Sherloc (09022015). Collection method: clinical testing. Allele origin: germline.
Comment: This sequence change replaces proline, which is neutral and non-polar, with alanine, which is neutral and non-polar, at codon 606 of the BRCA1 protein (p.Pro606Ala). This variant is not present in population databases (gnomAD no frequency). This variant has not been reported in the literature in individuals affected with BRCA1-related conditions. Invitae Evidence Modeling of protein sequence and biophysical properties (such as structural, functional, and spatial information, amino acid conservation, physicochemical variation, residue mobility, and thermodynamic stability) indicates that this missense variant is not expected to disrupt BRCA1 protein function with a negative predictive value of 95%. In summary, the available evidence is currently insufficient to determine the role of this variant in disease. Therefore, it has been classified as a Variant of Uncertain Significance.